The following is an entry in ClinVar:

ClinVar aggregate classification (germline): Uncertain significance (1 of 4 stars; one submission).

Submission:

GeneDx
Classification: Uncertain significance. Last evaluated: 2022-05-04. Review status: criteria provided, single submitter. Criteria: GeneDx Variant Classification Process June 2021. Collection method: clinical testing. Allele origin: germline. Affected: yes.
Comment: Not observed at significant frequency in large population cohorts (gnomAD); In silico analysis supports that this missense variant does not alter protein structure/function; Has not been previously published as pathogenic or benign to our knowledge

NM_001128178.3(NPHP1):c.488T>A (p.Phe163Tyr)

Gene: NPHP1 (nephrocystin 1; minus strand). Cytogenetic location: 2q13.
Variant type: single nucleotide variant.
Coding change: c.488T>A on transcript NM_001128178.3 (MANE Select); coding-DNA position 488, T replaced by A.
Protein change: p.Phe163Tyr; replaces phenylalanine 163 with tyrosine.
Molecular consequence: missense variant.
Genome position (GRCh38, 1-based): chr2:110,169,840, A>T on the plus strand (T>A on the coding strand, the complement: NPHP1 is on the minus strand). VCF-style: chr2-110169840-A-T. GRCh37 (hg19) VCF-style: chr2-110927417-A-T.
Other names: c.488T>A, p.Phe163Tyr (NM_000272.5, NM_001374256.1, NM_001374257.1 and 1 more transcripts); c.302T>A, p.Phe101Tyr (NM_001128179.3); short protein forms F101Y, F163Y.
Identifiers: ClinVar variation 1722828 (VCV001722828.2), dbSNP rs2467403620, ClinGen allele CA348092851.